The following is an entry in ClinVar:

NM_001909.5(CTSD):c.982C>T (p.Pro328Ser)

Gene: CTSD (cathepsin D; minus strand). Cytogenetic location: 11p15.5.
Variant type: single nucleotide variant.
Coding change: c.982C>T on transcript NM_001909.5 (MANE Select); coding-DNA position 982, C replaced by T.
Protein change: p.Pro328Ser; replaces proline 328 with serine.
Molecular consequence: missense variant.
Genome position (GRCh38, 1-based): chr11:1,753,892, G>A on the plus strand (C>T on the coding strand, the complement: CTSD is on the minus strand). VCF-style: chr11-1753892-G-A. GRCh37 (hg19) VCF-style: chr11-1775122-G-A.
Other names: short protein forms P328S.
Identifiers: ClinVar variation 1021785 (VCV001021785.9), dbSNP rs796052397, ClinGen allele CA379093379.
Genomic context (GRCh38, chr11:1,753,892, plus strand): 5'-TGTAGCCTTTGCCTCCCAGCTTCAGTGTGATCGCGGGCAGGGTGGACACCTTCTCACAGG[G>A]GATCATGTACTAAGAGGGGTCACAGCAGTGTCAGGGTGGTAGTGGTGGCCTTGGGGCTCC-3'
Protein context (NP_001900.1, residues 318-338): VPLIQGEYMI[Pro328Ser]CEKVSTLPAI

ClinVar aggregate classification (germline): Uncertain significance (1 of 4 stars; one submission).

Conditions:
Neuronal ceroid lipofuscinosis. Also called: Neuronal Ceroid Lipofuscinoses. Identifiers: Orphanet 216, Orphanet 79263, MedGen C0027877, MONDO:0016295. Disease mechanism: loss of function.

gnomAD v4.1: 1 of 1,613,456 alleles (0.000062%); highest among the groups gnomAD compares: Non-Finnish European, 0.000085%; no homozygotes.

Submission:

Labcorp Genetics (formerly Invitae), Labcorp
Classification: Uncertain significance for Neuronal ceroid lipofuscinosis. Last evaluated: 2020-05-15. Review status: criteria provided, single submitter. Criteria: Invitae Variant Classification Sherloc (09022015). Collection method: clinical testing. Allele origin: germline.
Comment: In summary, the available evidence is currently insufficient to determine the role of this variant in disease. Therefore, it has been classified as a Variant of Uncertain Significance. Algorithms developed to predict the effect of missense changes on protein structure and function (SIFT, PolyPhen-2, Align-GVGD) all suggest that this variant is likely to be tolerated, but these predictions have not been confirmed by published functional studies and their clinical significance is uncertain. This variant has not been reported in the literature in individuals with CTSD-related conditions. This variant is not present in population databases (ExAC no frequency). This sequence change replaces proline with serine at codon 328 of the CTSD protein (p.Pro328Ser). The proline residue is moderately conserved and there is a moderate physicochemical difference between proline and serine.